The following is an entry in ClinVar:

NM_002074.5(GNB1):c.916+4C>T

Gene: GNB1 (G protein subunit beta 1; minus strand). Cytogenetic location: 1p36.33.
Variant type: single nucleotide variant.
Coding change: c.916+4C>T on transcript NM_002074.5 (MANE Select); 4 bases into the intron after coding-DNA position 916, C replaced by T.
Molecular consequence: intron variant.
Genome position (GRCh38, 1-based): chr1:1,789,049, G>A on the plus strand (C>T on the coding strand, the complement: GNB1 is on the minus strand). VCF-style: chr1-1789049-G-A. GRCh37 (hg19) VCF-style: chr1-1720488-G-A.
Other names: c.916+4C>T (NM_001282539.2); c.616+4C>T (NM_001282538.2).
Identifiers: ClinVar variation 1517592 (VCV001517592.6), dbSNP rs1646445336, ClinGen allele CA997733748.
Genomic context (GRCh38, chr1:1,789,049, plus strand): 5'-GTGTTTGCTCTAAAGATACCACGTAAATGTCCACAAGACACAGAAAGGCCCCATGGCCAC[G>A]TACCTGCCCGGTCGGCTTTGAGTGCATCCCAGACGTTGCAGTTGAAGTCGTCGTACCCAG-3'

ClinVar aggregate classification (germline): Uncertain significance (1 of 4 stars; one submission).

Allele frequency attached by ClinVar (database versions not stated): gnomAD exomes below 0.00001; TOPMed below 0.00001; gnomAD 0.00001.
gnomAD v4.1: 5 of 1,609,990 alleles (0.00031%); highest among the groups gnomAD compares: South Asian, 0.0022%; no homozygotes.

Submission:

Labcorp Genetics (formerly Invitae), Labcorp
Classification: Uncertain significance. Last evaluated: 2025-11-06. Review status: criteria provided, single submitter. Criteria: Invitae Variant Classification Sherloc (09022015). Collection method: clinical testing. Allele origin: germline.
Comment: This sequence change falls in intron 10 of the GNB1 gene. It does not directly change the encoded amino acid sequence of the GNB1 protein. It affects a nucleotide within the consensus splice site. This variant is not present in population databases (gnomAD no frequency). This variant has not been reported in the literature in individuals affected with GNB1-related conditions. ClinVar contains an entry for this variant (Variation ID: 1517592). Variants that disrupt the consensus splice site are a relatively common cause of aberrant splicing (PMID: 17576681, 9536098). Algorithms developed to predict the effect of sequence changes on RNA splicing suggest that this variant is not likely to affect RNA splicing. In summary, the available evidence is currently insufficient to determine the role of this variant in disease. Therefore, it has been classified as a Variant of Uncertain Significance.

Literature cited by the submitters: PubMed 17576681; PubMed 9536098.